The following is an entry in ClinVar:

NM_001128178.3(NPHP1):c.1716+1G>T

Gene: NPHP1 (nephrocystin 1; minus strand). Cytogenetic location: 2q13.
Variant type: single nucleotide variant.
Coding change: c.1716+1G>T on transcript NM_001128178.3 (MANE Select); the canonical splice donor site of the intron after coding-DNA position 1716, G replaced by T.
Molecular consequence: splice donor variant.
Genome position (GRCh38, 1-based): chr2:110,129,185, C>A on the plus strand (G>T on the coding strand, the complement: NPHP1 is on the minus strand). VCF-style: chr2-110129185-C-A. GRCh37 (hg19) VCF-style: chr2-110886762-C-A.
Other names: IVS18, G-T, +1; c.1884+1G>T (NM_000272.4, NM_000272.5); c.1527+1G>T (NM_001128179.3); c.1713+1G>T (NM_001374256.1); c.1716+1G>T (NM_001374257.1); c.1881+1G>T (NM_207181.4).
Identifiers: ClinVar variation 3507 (VCV000003507.12), dbSNP rs1233478832, ClinGen allele CA348086755.

ClinVar aggregate classification (germline): Pathogenic/Likely pathogenic. Review status: criteria provided, multiple submitters, no conflicts (2 of 4 stars). 5 submissions from 5 submitters: Pathogenic (2); Likely pathogenic (2). 1 of the submissions does not count toward it. Last evaluated 2024-01-10.

Conditions:
NPHP1-related disorder. Also called: NPHP1-related condition; NPHP1-related disorders.
Nephronophthisis. Also called: Juvenile Nephronophthisis. Identifiers: Orphanet 655, MedGen C0687120, MONDO:0019005, HP:0000090.
Nephronophthisis 1 (NPHP1). Also called: Nephronophthisis familial juvenile. Identifiers: Orphanet 655, Orphanet 93592, MedGen C1855681, MONDO:0009728, OMIM 256100.
Senior-Loken syndrome 1 (SLSN1). Also called: JUVENILE NEPHRONOPHTHISIS WITH LEBER AMAUROSIS. Identifiers: Orphanet 3156, MedGen C4551559, MONDO:0009962, OMIM 266900.
Joubert syndrome with renal defect. Also called: JOUBERT SYNDROME 4. Identifiers: Orphanet 220497, MedGen C1846790, MONDO:0012308, OMIM 609583.

Allele frequency attached by ClinVar (database versions not stated): gnomAD exomes below 0.00001; gnomAD 0.00001; TOPMed 0.00001.
gnomAD v4.1: 5 of 1,610,448 alleles (0.00031%); highest among the groups gnomAD compares: Admixed American, 0.0017%; no homozygotes.

Submissions (5):

Fulgent Genetics
Classification: Likely pathogenic for Nephronophthisis 1; Senior-Loken syndrome 1; Joubert syndrome with renal defect. Last evaluated: 2024-01-10. Review status: criteria provided, single submitter. Criteria: ACMG Guidelines, 2015. Collection method: clinical testing. Allele origin: germline.

Labcorp Genetics (formerly Invitae), Labcorp
Classification: Pathogenic for Nephronophthisis. Last evaluated: 2023-06-16. Review status: criteria provided, single submitter. Criteria: Invitae Variant Classification Sherloc (09022015). Collection method: clinical testing. Allele origin: germline.
Comment: This variant is present in population databases (no rsID available, gnomAD no frequency). This sequence change affects a donor splice site in intron 18 of the NPHP1 gene. It is expected to disrupt RNA splicing. Variants that disrupt the donor or acceptor splice site typically lead to a loss of protein function (PMID: 16199547), and loss-of-function variants in NPHP1 are known to be pathogenic (PMID: 23559409). Disruption of this splice site has been observed in individual(s) with nephronophthisis (PMID: 9326933). In at least one individual the data is consistent with being in trans (on the opposite chromosome) from a pathogenic variant. For these reasons, this variant has been classified as Pathogenic. Algorithms developed to predict the effect of sequence changes on RNA splicing suggest that this variant may disrupt the consensus splice site. ClinVar contains an entry for this variant (Variation ID: 3507).

Blueprint Genetics
Classification: Likely pathogenic for NPHP1-related disorders. Last evaluated: 2023-05-03. Review status: criteria provided, single submitter. Criteria: ACMG Guidelines, 2015. Collection method: clinical testing. Allele origin: germline. Affected: yes. Observed: 2 variant alleles.

Baylor Genetics
Classification: Pathogenic for Joubert syndrome with renal defect. Last evaluated: 2023-04-05. Review status: criteria provided, single submitter. Criteria: ACMG Guidelines, 2015. Collection method: clinical testing. Allele origin: unknown.

OMIM
Classification: Pathogenic for NEPHRONOPHTHISIS 1. Last evaluated: 1997-10-01. Review status: no assertion criteria provided. Collection method: literature only. Allele origin: germline. Not counted in ClinVar's aggregate classification.

Literature cited by the submitters: PubMed 16199547 (cited by Labcorp Genetics (formerly Invitae), Labcorp); PubMed 23559409 (cited by Labcorp Genetics (formerly Invitae), Labcorp); PubMed 9326933 (cited by Labcorp Genetics (formerly Invitae), Labcorp and OMIM).